The following is an entry in ClinVar:

ClinVar aggregate classification (germline): Uncertain significance (1 of 4 stars; one submission).

Conditions:
T-cell immunodeficiency, congenital alopecia, and nail dystrophy. Also called: Congenital alopecia and nail dystrophy associated with severe functional T-cell immunodeficiency; Pignata Guarino syndrome. Identifiers: Orphanet 169095, MedGen C1866426, MONDO:0011132, OMIM 601705.

Submission:

Labcorp Genetics (formerly Invitae), Labcorp
Classification: Uncertain significance for T-cell immunodeficiency, congenital alopecia, and nail dystrophy. Last evaluated: 2023-11-17. Review status: criteria provided, single submitter. Criteria: Invitae Variant Classification Sherloc (09022015). Collection method: clinical testing. Allele origin: germline.
Comment: This sequence change replaces cysteine, which is neutral and slightly polar, with phenylalanine, which is neutral and non-polar, at codon 399 of the FOXN1 protein (p.Cys399Phe). This variant is not present in population databases (gnomAD no frequency). This variant has not been reported in the literature in individuals affected with FOXN1-related conditions. Advanced modeling of protein sequence and biophysical properties (such as structural, functional, and spatial information, amino acid conservation, physicochemical variation, residue mobility, and thermodynamic stability) performed at Invitae indicates that this missense variant is not expected to disrupt FOXN1 protein function with a negative predictive value of 80%. In summary, the available evidence is currently insufficient to determine the role of this variant in disease. Therefore, it has been classified as a Variant of Uncertain Significance.

NM_001369369.1(FOXN1):c.1196G>T (p.Cys399Phe)

Gene: FOXN1 (forkhead box N1; plus strand). Cytogenetic location: 17q11.2.
Variant type: single nucleotide variant.
Coding change: c.1196G>T on transcript NM_001369369.1 (MANE Select); coding-DNA position 1196, G replaced by T.
Protein change: p.Cys399Phe; replaces cysteine 399 with phenylalanine.
Molecular consequence: missense variant.
Genome position (GRCh38, 1-based): chr17:28,534,767, G>T. VCF-style: chr17-28534767-G-T. GRCh37 (hg19) VCF-style: chr17-26861785-G-T.
Other names: c.1196G>T, p.Cys399Phe (NM_003593.3); short protein forms C399F.
Identifiers: ClinVar variation 2881584 (VCV002881584.3), dbSNP rs1436516121, ClinGen allele CA398325471.
Genomic context (GRCh38, chr17:28,534,767, plus strand): 5'-AAGAGCTGGACAGCCTCATTGGAGACAAGAGAGAAAAGCTGGGCTCCCCACTCCTGGGCT[G>T]TCCGCCCCCTGGGCTGTCCGGCTCAGGCCCCATCCGGCCCCTGGCACCCCCAGCTGGCCT-3'
Protein context (NP_001356298.1, residues 389-409): REKLGSPLLG[Cys399Phe]PPPGLSGSGP